The following is an entry in ClinVar:

ClinVar aggregate classification (germline): Uncertain significance (1 of 4 stars; one submission).

Conditions:
Neuronal ceroid lipofuscinosis. Also called: Neuronal Ceroid Lipofuscinoses. Identifiers: Orphanet 216, Orphanet 79263, MedGen C0027877, MONDO:0016295. Disease mechanism: loss of function.

Allele frequency attached by ClinVar (database versions not stated): gnomAD exomes below 0.00001.
gnomAD v4.1: 4 of 1,614,054 alleles (0.00025%); highest among the groups gnomAD compares: Non-Finnish European, 0.00034%; no homozygotes.

Submission:

Labcorp Genetics (formerly Invitae), Labcorp
Classification: Uncertain significance for Neuronal ceroid lipofuscinosis. Last evaluated: 2022-06-24. Review status: criteria provided, single submitter. Criteria: Invitae Variant Classification Sherloc (09022015). Collection method: clinical testing. Allele origin: germline.
Comment: In summary, the available evidence is currently insufficient to determine the role of this variant in disease. Therefore, it has been classified as a Variant of Uncertain Significance. This sequence change replaces threonine, which is neutral and polar, with isoleucine, which is neutral and non-polar, at codon 9 of the CLN8 protein (p.Thr9Ile). This variant is present in population databases (no rsID available, gnomAD 0.0009%). This variant has not been reported in the literature in individuals affected with CLN8-related conditions. ClinVar contains an entry for this variant (Variation ID: 1060912). Advanced modeling of protein sequence and biophysical properties (such as structural, functional, and spatial information, amino acid conservation, physicochemical variation, residue mobility, and thermodynamic stability) performed at Invitae indicates that this missense variant is not expected to disrupt CLN8 protein function.

NM_018941.4(CLN8):c.26C>T (p.Thr9Ile)

Gene: CLN8 (CLN8 transmembrane ER and ERGIC protein; plus strand). Cytogenetic location: 8p23.3.
Variant type: single nucleotide variant.
Coding change: c.26C>T on transcript NM_018941.4 (MANE Select); coding-DNA position 26, C replaced by T.
Protein change: p.Thr9Ile; replaces threonine 9 with isoleucine.
Molecular consequence: missense variant.
Genome position (GRCh38, 1-based): chr8:1,771,080, C>T. VCF-style: chr8-1771080-C-T. GRCh37 (hg19) VCF-style: chr8-1719246-C-T.
Other names: short protein forms T9I.
Identifiers: ClinVar variation 1060912 (VCV001060912.4), dbSNP rs1174240541, ClinGen allele CA369952730.
Genomic context (GRCh38, chr8:1,771,080, plus strand): 5'-GGCCCCAGGACTCCTTTGGAATATAGCTGTGGACAATGAATCCTGCGAGCGATGGGGGCA[C>T]ATCAGAGAGCATTTTTGACCTGGACTATGCATCCTGGGGGATCCGCTCCACGCTGATGGT-3'
Protein context (NP_061764.2, residues 1-19): MNPASDGG[Thr9Ile]SESIFDLDYA